The following is an entry in ClinVar:

NM_000520.6(HEXA):c.958G>T (p.Gly320Ter)

Gene: HEXA (hexosaminidase subunit alpha; minus strand). Cytogenetic location: 15q23.
Variant type: single nucleotide variant.
Coding change: c.958G>T on transcript NM_000520.6 (MANE Select); coding-DNA position 958, G replaced by T.
Protein change: p.Gly320Ter; replaces glycine 320 with a stop codon.
Molecular consequence: nonsense. On other transcripts: non-coding transcript variant (1).
Genome position (GRCh38, 1-based): chr15:72,349,107, C>A on the plus strand (G>T on the coding strand, the complement: HEXA is on the minus strand). VCF-style: chr15-72349107-C-A. GRCh37 (hg19) VCF-style: chr15-72641448-C-A.
Other names: c.991G>T, p.Gly331Ter (NM_001318825.2); short protein forms G320*, G331*.
Identifiers: ClinVar variation 984037 (VCV000984037.3), dbSNP rs2088660599, ClinGen allele CA393062207.

ClinVar aggregate classification (germline): Likely pathogenic (1 of 4 stars; one submission).

Conditions:
Tay-Sachs disease (TSD). Also called: Hexosaminidase A Deficiency; HEXA Disorders; GM2 gangliosidosis, type 1; Hexosaminidase alpha-subunit deficiency (variant B); Sphingolipidosis, Tay-Sachs; HEXA DEFICIENCY. Identifiers: Orphanet 845, MedGen C0039373, MONDO:0010100, OMIM 272800.

Submission:

Myriad Genetics, Inc.
Classification: Likely pathogenic for Tay-Sachs disease. Last evaluated: 2019-02-25. Review status: criteria provided, single submitter. Criteria: Myriad Women's Health Autosomal Recessive and X-Linked Classification Criteria (2019). Collection method: clinical testing. Allele origin: unknown.
Comment: NM_000520.4(HEXA):c.958G>T(G320*) is expected to be pathogenic in the context of hexosaminidase A deficiency. This variant is predicted to lead to an abnormal or absent protein product due to the creation of a premature termination codon in HEXA, a gene where loss-of-function variants are known to be pathogenic. Please note: this variant was assessed in the context of healthy population screening.